The following is an entry in ClinVar:

NM_003072.5(SMARCA4):c.2649T>C (p.Gly883=)

Gene: SMARCA4 (SWI/SNF related BAF chromatin remodeling complex subunit ATPase 4; plus strand). Cytogenetic location: 19p13.2.
Variant type: single nucleotide variant.
Coding change: c.2649T>C on transcript NM_003072.5 (MANE Select); coding-DNA position 2649, T replaced by C.
Protein change: p.Gly883=; no amino-acid change (glycine 883 retained).
Molecular consequence: synonymous variant. On other transcripts: non-coding transcript variant (1).
Genome position (GRCh38, 1-based): chr19:11,021,757, T>C. VCF-style: chr19-11021757-T-C. GRCh37 (hg19) VCF-style: chr19-11132433-T-C.
Other names: c.2649T>C, p.Gly883= (NM_001128844.3, NM_001128845.2, NM_001128846.2 and 6 more transcripts).
Identifiers: ClinVar variation 4084188 (VCV004084188.8).

ClinVar aggregate classification (germline): Likely benign (1 of 4 stars; one submission).

Submission:

CeGaT Center for Human Genetics Tuebingen
Classification: Likely benign. Last evaluated: 2025-08-01. Review status: criteria provided, single submitter. Criteria: CeGaT Center For Human Genetics Tuebingen Variant Classification Criteria Version 2. Collection method: clinical testing. Allele origin: germline. Affected: yes. Observed: 1 variant allele.
Comment: SMARCA4: PM2:Supporting, BP4, BP7